The following is an entry in ClinVar:

ClinVar aggregate classification (germline): Conflicting classifications of pathogenicity. Review status: criteria provided, conflicting classifications (1 of 4 stars). 2 submissions from 2 submitters: Uncertain significance (1); Likely benign (1). Last evaluated 2023-05-30.

Conditions:
Adams-Oliver syndrome 5 (AOS5). Identifiers: Orphanet 974, MedGen C4014970, MONDO:0014459, OMIM 616028.
Familial thoracic aortic aneurysm and aortic dissection (TAAD). Also called: Thoracic aortic aneurysms and dissections. Identifiers: Orphanet 91387, MedGen C4707243, MONDO:0019625.

gnomAD v4.1: 1 of 1,612,950 alleles (0.000062%); highest among the groups gnomAD compares: East Asian, 0.0022%; no homozygotes.

Submissions (2):

Labcorp Genetics (formerly Invitae), Labcorp
Classification: Uncertain significance for Adams-Oliver syndrome 5. Last evaluated: 2023-05-30. Review status: criteria provided, single submitter. Criteria: Invitae Variant Classification Sherloc (09022015). Collection method: clinical testing. Allele origin: germline.
Comment: In summary, the available evidence is currently insufficient to determine the role of this variant in disease. Therefore, it has been classified as a Variant of Uncertain Significance. Advanced modeling of protein sequence and biophysical properties (such as structural, functional, and spatial information, amino acid conservation, physicochemical variation, residue mobility, and thermodynamic stability) performed at Invitae indicates that this missense variant is not expected to disrupt NOTCH1 protein function. ClinVar contains an entry for this variant (Variation ID: 1755950). This variant has not been reported in the literature in individuals affected with NOTCH1-related conditions. This variant is not present in population databases (gnomAD no frequency). This sequence change replaces leucine, which is neutral and non-polar, with valine, which is neutral and non-polar, at codon 2294 of the NOTCH1 protein (p.Leu2294Val).

Ambry Genetics
Classification: Likely benign for Familial thoracic aortic aneurysm and aortic dissection. Last evaluated: 2021-08-05. Review status: criteria provided, single submitter. Criteria: Ambry Variant Classification Scheme 2023. Collection method: clinical testing. Allele origin: germline.

NM_017617.5(NOTCH1):c.6880C>G (p.Leu2294Val)

Gene: NOTCH1 (notch receptor 1; minus strand). Cytogenetic location: 9q34.3.
Variant type: single nucleotide variant.
Coding change: c.6880C>G on transcript NM_017617.5 (MANE Select); coding-DNA position 6880, C replaced by G.
Protein change: p.Leu2294Val; replaces leucine 2294 with valine.
Molecular consequence: missense variant.
Genome position (GRCh38, 1-based): chr9:136,496,859, G>C on the plus strand (C>G on the coding strand, the complement: NOTCH1 is on the minus strand). VCF-style: chr9-136496859-G-C. GRCh37 (hg19) VCF-style: chr9-139391311-G-C.
Other names: short protein forms L2294V.
Identifiers: ClinVar variation 1755950 (VCV001755950.5), dbSNP rs776850297, ClinGen allele CA375629983.